The following is an entry in ClinVar:

ClinVar aggregate classification (germline): Uncertain significance (1 of 4 stars; one submission).

Conditions:
Combined oxidative phosphorylation defect type 7. Identifiers: Orphanet 254930, MedGen C3150801, MONDO:0013306, OMIM 613559.
Spastic paraplegia. Identifiers: MedGen C0037772, HP:0001258.

Submission:

Labcorp Genetics (formerly Invitae), Labcorp
Classification: Uncertain significance for Combined oxidative phosphorylation defect type 7; Spastic paraplegia. Last evaluated: 2025-01-27. Review status: criteria provided, single submitter. Criteria: Invitae Variant Classification Sherloc (09022015). Collection method: clinical testing. Allele origin: germline.
Comment: This sequence change replaces glycine, which is neutral and non-polar, with aspartic acid, which is acidic and polar, at codon 90 of the C12orf65 protein (p.Gly90Asp). This variant is not present in population databases (gnomAD no frequency). This variant has not been reported in the literature in individuals affected with C12orf65-related conditions. ClinVar contains an entry for this variant (Variation ID: 1971483). An algorithm developed to predict the effect of missense changes on protein structure and function (PolyPhen-2) suggests that this variant is likely to be disruptive. In summary, the available evidence is currently insufficient to determine the role of this variant in disease. Therefore, it has been classified as a Variant of Uncertain Significance.

NM_152269.5(MTRFR):c.269G>A (p.Gly90Asp)

Gene: MTRFR (mitochondrial translation release factor in rescue; plus strand). Cytogenetic location: 12q24.31.
Variant type: single nucleotide variant.
Coding change: c.269G>A on transcript NM_152269.5 (MANE Select); coding-DNA position 269, G replaced by A.
Protein change: p.Gly90Asp; replaces glycine 90 with aspartic acid.
Molecular consequence: missense variant.
Genome position (GRCh38, 1-based): chr12:123,253,943, G>A. VCF-style: chr12-123253943-G-A. GRCh37 (hg19) VCF-style: chr12-123738490-G-A.
Other names: c.269G>A, p.Gly90Asp (NM_001143905.2, NM_001194995.1); short protein forms G90D.
Identifiers: ClinVar variation 1971483 (VCV001971483.5), dbSNP rs2547598219, ClinGen allele CA387118859.